The following is an entry in ClinVar:

ClinVar aggregate classification (germline): Benign. Review status: criteria provided, single submitter (1 of 4 stars). 2 submissions from 2 submitters: Benign (1). 1 of the submissions does not count toward it. Last evaluated 2022-11-15.

Conditions:
Epileptic encephalopathy. Identifiers: MedGen C0543888, HP:0200134.
RYR3-related disorder. Also called: RYR3-related condition.

Allele frequency attached by ClinVar (database versions not stated): gnomAD 0.00039 and 0.00072; gnomAD exomes 0.00039 and 0.00154; TOPMed 0.00062; ExAC 0.00196; 1000 Genomes Project 30x 0.00687; 1000 Genomes Project 0.00699.
gnomAD v4.1: 710 of 1,611,974 alleles (0.044%); highest among the groups gnomAD compares: East Asian, 1.3%; 8 homozygotes.

Submissions (2):

Labcorp Genetics (formerly Invitae), Labcorp
Classification: Benign for Epileptic encephalopathy. Last evaluated: 2022-11-15. Review status: criteria provided, single submitter. Criteria: Invitae Variant Classification Sherloc (09022015). Collection method: clinical testing. Allele origin: germline.

PreventionGenetics, part of Exact Sciences
Classification: Benign for RYR3-related condition. Last evaluated: 2019-06-17. Review status: no assertion criteria provided. Collection method: clinical testing. Allele origin: germline. Not counted in ClinVar's aggregate classification.
Comment: This variant is classified as benign based on ACMG/AMP sequence variant interpretation guidelines (Richards et al. 2015 PMID: 25741868, with internal and published modifications).

NM_001036.6(RYR3):c.6960G>C (p.Leu2320=)

Gene: RYR3 (ryanodine receptor 3; plus strand). Cytogenetic location: 15q14.
Variant type: single nucleotide variant.
Coding change: c.6960G>C on transcript NM_001036.6 (MANE Select); coding-DNA position 6960, G replaced by C.
Protein change: p.Leu2320=; no amino-acid change (leucine 2320 retained).
Molecular consequence: synonymous variant.
Genome position (GRCh38, 1-based): chr15:33,726,433, G>C. VCF-style: chr15-33726433-G-C. GRCh37 (hg19) VCF-style: chr15-34018634-G-C.
Other names: c.6960G>C, p.Leu2320= (NM_001243996.4).
Identifiers: ClinVar variation 461942 (VCV000461942.14), dbSNP rs139287308, ClinGen allele CA7459751.